The following is an entry in ClinVar:

NM_001407.3(CELSR3):c.2414G>C (p.Ser805Thr)

Gene: CELSR3 (cadherin EGF LAG seven-pass G-type receptor 3; minus strand). Cytogenetic location: 3p21.31.
Variant type: single nucleotide variant.
Coding change: c.2414G>C on transcript NM_001407.3 (MANE Select); coding-DNA position 2414, G replaced by C.
Protein change: p.Ser805Thr; replaces serine 805 with threonine.
Molecular consequence: missense variant.
Genome position (GRCh38, 1-based): chr3:48,660,221, C>G on the plus strand (G>C on the coding strand, the complement: CELSR3 is on the minus strand). VCF-style: chr3-48660221-C-G. GRCh37 (hg19) VCF-style: chr3-48697654-C-G.
Other names: short protein forms S805T.
Identifiers: ClinVar variation 1225855 (VCV001225855.5), dbSNP rs3821875, ClinGen allele CA2385279.

ClinVar aggregate classification (germline): Benign. Review status: criteria provided, multiple submitters, no conflicts (2 of 4 stars). 3 submissions from 3 submitters: Benign (2). 1 of the submissions does not count toward it. Last evaluated 2019-01-22.

Conditions:
Tourette syndrome (GTS). Also called: GILLES DE LA TOURETTE SYNDROME. Identifiers: MedGen C0040517, MONDO:0007661, OMIM 137580.

Allele frequency attached by ClinVar (database versions not stated): 1000 Genomes Project 0.10004; ExAC 0.10092; 1000 Genomes Project 30x 0.10244; TOPMed 0.11110; gnomAD 0.11379 and 0.11633; ESP Exome Variant Server 0.12325.
gnomAD v4.1: 174,731 of 1,613,938 alleles (11%); highest among the groups gnomAD compares: African/African-American, 13%; 9,656 homozygotes.

Submissions (3):

GeneDx
Classification: Benign. Last evaluated: 2019-01-22. Review status: criteria provided, single submitter. Criteria: GeneDx Variant Classification Process June 2021. Collection method: clinical testing. Allele origin: germline. Affected: yes.
Comment: This variant is associated with the following publications: (PMID: 30257206, 31855460)

Breakthrough Genomics
Classification: Benign. Review status: criteria provided, single submitter. Criteria: ACMG Guidelines, 2015. Collection method: not provided. Allele origin: germline. Inheritance: Unknown mechanism. Affected: yes.

Yale Center for Mendelian Genomics, Yale University
Classification: Likely risk allele for Tourette syndrome. Last evaluated: 2018-09-25. Review status: no assertion criteria provided. Collection method: literature only. Allele origin: germline. Affected: yes. Observed: 2 compound heterozygotes. Study: Yale Center for Mendelian Genomics. Not counted in ClinVar's aggregate classification.

Literature cited by the submitters: PubMed 30257206 (cited by Yale Center for Mendelian Genomics, Yale University).